The following is an entry in ClinVar:

ClinVar aggregate classification (germline): Uncertain significance (1 of 4 stars; one submission).

Conditions:
Alstrom syndrome (ALMS). Identifiers: Orphanet 64, MedGen C0268425, MONDO:0008763, OMIM 203800.

Submission:

Labcorp Genetics (formerly Invitae), Labcorp
Classification: Uncertain significance for Alstrom syndrome. Last evaluated: 2021-11-06. Review status: criteria provided, single submitter. Criteria: Invitae Variant Classification Sherloc (09022015). Collection method: clinical testing. Allele origin: germline.
Comment: This sequence change replaces serine, which is neutral and polar, with valine, which is neutral and non-polar, at codon 1987 of the ALMS1 protein (p.Ser1987Val). Information on the frequency of this variant in the gnomAD database is not available, as this variant may be reported differently in the database. This variant has not been reported in the literature in individuals affected with ALMS1-related conditions. Experimental studies and prediction algorithms are not available or were not evaluated, and the functional significance of this variant is currently unknown. In summary, the available evidence is currently insufficient to determine the role of this variant in disease. Therefore, it has been classified as a Variant of Uncertain Significance.

NM_001378454.1(ALMS1):c.5956_5957delinsGT (p.Ser1986Val)

Gene: ALMS1 (ALMS1 centrosome and basal body associated protein; plus strand). Cytogenetic location: 2p13.1.
Variant type: Indel.
Coding change: c.5956_5957delinsGT on transcript NM_001378454.1 (MANE Select); coding-DNA positions 5956 to 5957, AG replaced by GT.
Protein change: p.Ser1986Val; replaces serine 1986 with valine.
Molecular consequence: missense variant.
Genome position (GRCh38, 1-based): chr2:73,452,483-73,452,484, AG replaced by GT. VCF-style: chr2-73452483-AG-GT. GRCh37 (hg19) VCF-style: chr2-73679610-AG-GT.
Other names: c.5959_5960delinsGT, p.Ser1987Val (NM_015120.4); short protein forms S1987V, S1986V.
Identifiers: ClinVar variation 1383795 (VCV001383795.3), dbSNP rs2103788302, ClinGen allele CA2573135753.
Genomic context (GRCh38, chr2:73,452,483, plus strand): 5'-AAAGTTTCACCTGTTTCTATACCAGCAGAGCAGAAGACTGGGATACCAATAGGACTGTCT[AG>GT]TTCCTACTCACATTCACATAAAGAGAAACTCAAGATTTCAACTGTGCATATACCAGATGA-3'
Protein context (NP_001365383.1, residues 1976-1996): QKTGIPIGLS[Ser1986Val]SYSHSHKEKL